The following is an entry in ClinVar:

ClinVar aggregate classification (germline): Uncertain significance. Review status: criteria provided, multiple submitters, no conflicts (2 of 4 stars). 3 submissions from 3 submitters: Uncertain significance (2). 1 of the submissions does not count toward it. Last evaluated 2022-08-31.

Conditions:
Inborn genetic diseases. Identifiers: MedGen C0950123, MeSH D030342.
SPEG-related disorder. Also called: SPEG-related condition.

Allele frequency attached by ClinVar (database versions not stated): gnomAD exomes 0.00008 and 0.00026; ExAC 0.00013; TOPMed 0.00017; gnomAD 0.00018 and 0.00019; ESP Exome Variant Server 0.00025.
gnomAD v4.1: 398 of 1,612,396 alleles (0.025%); highest among the groups gnomAD compares: Non-Finnish European, 0.033%; no homozygotes.

Submissions (3):

Labcorp Genetics (formerly Invitae), Labcorp
Classification: Uncertain significance. Last evaluated: 2022-08-31. Review status: criteria provided, single submitter. Criteria: Invitae Variant Classification Sherloc (09022015). Collection method: clinical testing. Allele origin: germline.
Comment: This sequence change replaces threonine, which is neutral and polar, with isoleucine, which is neutral and non-polar, at codon 349 of the SPEG protein (p.Thr349Ile). This variant is present in population databases (rs371077558, gnomAD 0.02%). This variant has not been reported in the literature in individuals affected with SPEG-related conditions. ClinVar contains an entry for this variant (Variation ID: 1354999). Advanced modeling of protein sequence and biophysical properties (such as structural, functional, and spatial information, amino acid conservation, physicochemical variation, residue mobility, and thermodynamic stability) performed at Invitae indicates that this missense variant is expected to disrupt SPEG protein function. In summary, the available evidence is currently insufficient to determine the role of this variant in disease. Therefore, it has been classified as a Variant of Uncertain Significance.

Ambry Genetics
Classification: Uncertain significance for Inborn genetic diseases. Last evaluated: 2021-09-01. Review status: criteria provided, single submitter. Criteria: Ambry Variant Classification Scheme 2023. Collection method: clinical testing. Allele origin: germline.

PreventionGenetics, part of Exact Sciences
Classification: Uncertain significance for SPEG-related condition. Last evaluated: 2023-11-02. Review status: no assertion criteria provided. Collection method: clinical testing. Allele origin: germline. Not counted in ClinVar's aggregate classification.
Comment: The SPEG c.1046C>T variant is predicted to result in the amino acid substitution p.Thr349Ile. To our knowledge, this variant has not been reported in the literature. This variant is reported in 0.018% of alleles in individuals of European (Non-Finnish) descent in gnomAD. At this time, the clinical significance of this variant is uncertain due to the absence of conclusive functional and genetic evidence.

NM_005876.5(SPEG):c.1046C>T (p.Thr349Ile)

Gene: SPEG (striated muscle enriched protein kinase; plus strand). Cytogenetic location: 2q35.
Variant type: single nucleotide variant.
Coding change: c.1046C>T on transcript NM_005876.5 (MANE Select); coding-DNA position 1046, C replaced by T.
Protein change: p.Thr349Ile; replaces threonine 349 with isoleucine.
Molecular consequence: missense variant.
Genome position (GRCh38, 1-based): chr2:219,448,204, C>T. VCF-style: chr2-219448204-C-T. GRCh37 (hg19) VCF-style: chr2-220312926-C-T.
Other names: c.1046C>T (NM_005876.4); short protein forms T349I.
Identifiers: ClinVar variation 1354999 (VCV001354999.8), dbSNP rs371077558, ClinGen allele CA2125651.
Genomic context (GRCh38, chr2:219,448,204, plus strand): 5'-CGGCCACCCCCACGTCGCCCCACCGTCGCACTCAGGAGCCTGTGCTGCCCGAGGACACCA[C>T]CACCGAAGAGAAGCGAGGGAAGAAGTCCAAGTCGTCCGGGCCCTCCCTGGCGGGCACCGC-3'
Protein context (NP_005867.3, residues 339-359): TQEPVLPEDT[Thr349Ile]TEEKRGKKSK